The following is an entry in ClinVar:

ClinVar aggregate classification (germline): Uncertain significance. Review status: criteria provided, multiple submitters, no conflicts (2 of 4 stars). 2 submissions from 2 submitters: Uncertain significance (2). Last evaluated 2025-08-26.

gnomAD v4.1: 27 of 1,602,846 alleles (0.0017%); highest among the groups gnomAD compares: East Asian, 0.0045%; no homozygotes.

Submissions (2):

Ambry Genetics
Classification: Uncertain significance. Last evaluated: 2025-08-26. Review status: criteria provided, single submitter. Criteria: Ambry Variant Classification Scheme 2023. Collection method: clinical testing. Allele origin: germline.

GeneDx
Classification: Uncertain significance. Last evaluated: 2019-11-12. Review status: criteria provided, single submitter. Criteria: GeneDx Variant Classification Process June 2021. Collection method: clinical testing. Allele origin: germline. Affected: yes.
Comment: Has not been previously published as pathogenic or benign to our knowledge; In silico analysis, which includes protein predictors and evolutionary conservation, supports that this variant does not alter protein structure/function

NM_001813.3(CENPE):c.2860G>A (p.Asp954Asn)

Gene: CENPE (centromere protein E; minus strand). Cytogenetic location: 4q24.
Variant type: single nucleotide variant.
Coding change: c.2860G>A on transcript NM_001813.3 (MANE Select); coding-DNA position 2860, G replaced by A.
Protein change: p.Asp954Asn; replaces aspartic acid 954 with asparagine.
Molecular consequence: missense variant.
Genome position (GRCh38, 1-based): chr4:103,158,628, C>T on the plus strand (G>A on the coding strand, the complement: CENPE is on the minus strand). VCF-style: chr4-103158628-C-T. GRCh37 (hg19) VCF-style: chr4-104079785-C-T.
Other names: c.2785G>A, p.Asp929Asn (NM_001286734.2); short protein forms D929N, D954N.
Identifiers: ClinVar variation 1310389 (VCV001310389.5), dbSNP rs201814347, ClinGen allele CA3030205.